The following is an entry in ClinVar:

ClinVar aggregate classification (germline): Likely benign (1 of 4 stars; one submission).

Submission:

CeGaT Center for Human Genetics Tuebingen
Classification: Likely benign. Last evaluated: 2026-07-01. Review status: criteria provided, single submitter. Criteria: CeGaT Center For Human Genetics Tuebingen Variant Classification Criteria Version 2. Collection method: clinical testing. Allele origin: germline. Affected: yes. Observed: 4 variant alleles.
Comment: STAT1: PM2:Supporting, BP4, BP7

NM_007315.4(STAT1):c.753G>C (p.Pro251=)

Gene: STAT1 (signal transducer and activator of transcription 1; minus strand). Cytogenetic location: 2q32.2.
Variant type: single nucleotide variant.
Coding change: c.753G>C on transcript NM_007315.4 (MANE Select); coding-DNA position 753, G replaced by C.
Protein change: p.Pro251=; no amino-acid change (proline 251 retained).
Molecular consequence: synonymous variant.
Genome position (GRCh38, 1-based): chr2:190,997,888, C>G on the plus strand (G>C on the coding strand, the complement: STAT1 is on the minus strand). VCF-style: chr2-190997888-C-G. GRCh37 (hg19) VCF-style: chr2-191862614-C-G.
Other names: c.753G>C, p.Pro251= (NM_001384880.1, NM_001384882.1, NM_001384885.1 and 6 more transcripts); c.759G>C, p.Pro253= (NM_001384881.1, NM_001384884.1); c.654G>C, p.Pro218= (NM_001384883.1); c.663G>C, p.Pro221= (NM_001384890.1); c.789G>C, p.Pro263= (NM_001384891.1).
Identifiers: ClinVar variation 4872995 (VCV004872995.2).